The following is an entry in ClinVar:

NM_000702.4(ATP1A2):c.1528C>T (p.Arg510Cys)

Gene: ATP1A2 (ATPase Na+/K+ transporting subunit alpha 2; plus strand). Cytogenetic location: 1q23.2.
Variant type: single nucleotide variant.
Coding change: c.1528C>T on transcript NM_000702.4 (MANE Select); coding-DNA position 1528, C replaced by T.
Protein change: p.Arg510Cys; replaces arginine 510 with cysteine.
Molecular consequence: missense variant.
Genome position (GRCh38, 1-based): chr1:160,130,168, C>T. VCF-style: chr1-160130168-C-T. GRCh37 (hg19) VCF-style: chr1-160099958-C-T.
Other names: short protein forms R510C.
Identifiers: ClinVar variation 572079 (VCV000572079.10), dbSNP rs750109401, ClinGen allele CA1194515.

ClinVar aggregate classification (germline): Uncertain significance. Review status: criteria provided, multiple submitters, no conflicts (2 of 4 stars). 2 submissions from 2 submitters: Uncertain significance (2). Last evaluated 2023-11-21.

Conditions:
Familial hemiplegic migraine. Identifiers: MedGen C0338484, MONDO:0000700.
Inborn genetic diseases. Identifiers: MedGen C0950123, MeSH D030342.

Allele frequency attached by ClinVar (database versions not stated): gnomAD 0.00001; gnomAD exomes 0.00001; TOPMed 0.00001; ExAC 0.00002.

Submissions (2):

Labcorp Genetics (formerly Invitae), Labcorp
Classification: Uncertain significance for Familial hemiplegic migraine. Last evaluated: 2023-11-21. Review status: criteria provided, single submitter. Criteria: Invitae Variant Classification Sherloc (09022015). Collection method: clinical testing. Allele origin: germline.
Comment: This sequence change replaces arginine, which is basic and polar, with cysteine, which is neutral and slightly polar, at codon 510 of the ATP1A2 protein (p.Arg510Cys). This variant is present in population databases (rs750109401, gnomAD 0.002%). This variant has not been reported in the literature in individuals affected with ATP1A2-related conditions. ClinVar contains an entry for this variant (Variation ID: 572079). Advanced modeling of protein sequence and biophysical properties (such as structural, functional, and spatial information, amino acid conservation, physicochemical variation, residue mobility, and thermodynamic stability) performed at Invitae indicates that this missense variant is expected to disrupt ATP1A2 protein function with a positive predictive value of 80%. In summary, the available evidence is currently insufficient to determine the role of this variant in disease. Therefore, it has been classified as a Variant of Uncertain Significance.

Ambry Genetics
Classification: Uncertain significance for Inborn genetic diseases. Last evaluated: 2022-07-26. Review status: criteria provided, single submitter. Criteria: Ambry Variant Classification Scheme 2023. Collection method: clinical testing. Allele origin: germline.